The following is an entry in ClinVar:

NM_016616.5(NME8):c.1426G>C (p.Ala476Pro)

Gene: NME8 (NME/NM23 family member 8; plus strand). Cytogenetic location: 7p14.1.
Variant type: single nucleotide variant.
Coding change: c.1426G>C on transcript NM_016616.5 (MANE Select); coding-DNA position 1426, G replaced by C.
Protein change: p.Ala476Pro; replaces alanine 476 with proline.
Molecular consequence: missense variant.
Genome position (GRCh38, 1-based): chr7:37,894,492, G>C. VCF-style: chr7-37894492-G-C. GRCh37 (hg19) VCF-style: chr7-37934094-G-C.
Other names: short protein forms A476P.
Identifiers: ClinVar variation 3653154 (VCV003653154.2).
Genomic context (GRCh38, chr7:37,894,492, plus strand): 5'-ATCTGCAATATTATCAAATATTTGTTTTTCTTAGAGCAGATCCTGAAGATAGTTAAGGAG[G>C]CTGGATTTGATCTGACACAGGTGAAGAAAATGTTCCTAACTCCTGAGCAAATAGAGAAAA-3'
Protein context (NP_057700.3, residues 466-486): REQILKIVKE[Ala476Pro]GFDLTQVKKM

ClinVar aggregate classification (germline): Uncertain significance (1 of 4 stars; one submission).

Conditions:
Primary ciliary dyskinesia 6. Also called: Primary Ciliary Dyskinesia 6: TXNDC3-Related Primary Ciliary Dyskinesia. Identifiers: Orphanet 244, MedGen C1970506, MONDO:0012571, OMIM 610852.

Submission:

Labcorp Genetics (formerly Invitae), Labcorp
Classification: Uncertain significance for Primary ciliary dyskinesia 6. Last evaluated: 2024-05-12. Review status: criteria provided, single submitter. Criteria: Invitae Variant Classification Sherloc (09022015). Collection method: clinical testing. Allele origin: germline.
Comment: This sequence change replaces alanine, which is neutral and non-polar, with proline, which is neutral and non-polar, at codon 476 of the NME8 protein (p.Ala476Pro). This variant is not present in population databases (gnomAD no frequency). This variant has not been reported in the literature in individuals affected with NME8-related conditions. Advanced modeling of protein sequence and biophysical properties (such as structural, functional, and spatial information, amino acid conservation, physicochemical variation, residue mobility, and thermodynamic stability) performed at Invitae indicates that this missense variant is not expected to disrupt NME8 protein function with a negative predictive value of 80%. In summary, the available evidence is currently insufficient to determine the role of this variant in disease. Therefore, it has been classified as a Variant of Uncertain Significance.